The following is an entry in ClinVar:

NM_014339.7(IL17RA):c.55C>T (p.Leu19Phe)

Gene: IL17RA (interleukin 17 receptor A; plus strand). Cytogenetic location: 22q11.1.
Variant type: single nucleotide variant.
Coding change: c.55C>T on transcript NM_014339.7 (MANE Select); coding-DNA position 55, C replaced by T.
Protein change: p.Leu19Phe; replaces leucine 19 with phenylalanine.
Molecular consequence: missense variant.
Genome position (GRCh38, 1-based): chr22:17,085,146, C>T. VCF-style: chr22-17085146-C-T. GRCh37 (hg19) VCF-style: chr22-17566036-C-T.
Other names: c.55C>T, p.Leu19Phe (NM_001289905.2); short protein forms L19F.
Identifiers: ClinVar variation 1524228 (VCV001524228.6), dbSNP rs1429270259, ClinGen allele CA410210159.

ClinVar aggregate classification (germline): Uncertain significance (1 of 4 stars; one submission).

Conditions:
Immunodeficiency 51 (IMD51). Also called: CANDIDIASIS, FAMILIAL, 5. Identifiers: Orphanet 1334, MedGen C4310803, MONDO:0013500, OMIM 613953.

Allele frequency attached by ClinVar (database versions not stated): gnomAD exomes 0.00001.
gnomAD v4.1: 7 of 1,509,964 alleles (0.00046%); highest among the groups gnomAD compares: South Asian, 0.0086%; no homozygotes.

Submission:

Labcorp Genetics (formerly Invitae), Labcorp
Classification: Uncertain significance for Immunodeficiency 51. Last evaluated: 2023-04-24. Review status: criteria provided, single submitter. Criteria: Invitae Variant Classification Sherloc (09022015). Collection method: clinical testing. Allele origin: germline.
Comment: In summary, the available evidence is currently insufficient to determine the role of this variant in disease. Therefore, it has been classified as a Variant of Uncertain Significance. This sequence change replaces leucine, which is neutral and non-polar, with phenylalanine, which is neutral and non-polar, at codon 19 of the IL17RA protein (p.Leu19Phe). The frequency data for this variant in the population databases is considered unreliable, as metrics indicate poor data quality at this position in the gnomAD database. This variant has not been reported in the literature in individuals affected with IL17RA-related conditions. ClinVar contains an entry for this variant (Variation ID: 1524228). Experimental studies and prediction algorithms are not available or were not evaluated, and the functional significance of this variant is currently unknown.